The following is an entry in ClinVar:

ClinVar aggregate classification (germline): Likely pathogenic. Review status: criteria provided, multiple submitters, no conflicts (2 of 4 stars). 2 submissions from 2 submitters: Likely pathogenic (2). Last evaluated 2025-03-13.

Conditions:
Combined malonic and methylmalonic acidemia. Identifiers: Orphanet 289504, MedGen C3280314, MONDO:0013661, OMIM 614265.

Allele frequency attached by ClinVar (database versions not stated): TOPMed 0.00001.

Submissions (2):

Natera, Inc.
Classification: Likely pathogenic for Combined malonic and methylmalonic aciduria. Last evaluated: 2025-03-13. Review status: criteria provided, single submitter. Criteria: Natera Variant Classification Schema (03/2026). Collection method: clinical testing. Allele origin: germline.
Comment: The c.696G>A variant in ACSF3 is a nonsense variant predicted to introduce a stop codon at amino acid 232. This variant is expected to result in nonsense mediated decay, truncation, or a dysfunctional protein product. This variant is rare in the general population with a frequency below the threshold expected for the associated phenotype(s). Given the available evidence, this variant is classified as Likely Pathogenic.

Baylor Genetics
Classification: Likely pathogenic for Combined malonic and methylmalonic acidemia. Last evaluated: 2024-01-16. Review status: criteria provided, single submitter. Criteria: ACMG Guidelines, 2015. Collection method: clinical testing. Allele origin: unknown.

NM_001243279.3(ACSF3):c.696G>A (p.Trp232Ter)

Gene: ACSF3 (acyl-CoA synthetase family member 3; plus strand). Cytogenetic location: 16q24.3.
Variant type: single nucleotide variant.
Coding change: c.696G>A on transcript NM_001243279.3 (MANE Select); coding-DNA position 696, G replaced by A.
Protein change: p.Trp232Ter; replaces tryptophan 232 with a stop codon.
Molecular consequence: nonsense. On other transcripts: 5 prime UTR variant (1), non-coding transcript variant (3).
Genome position (GRCh38, 1-based): chr16:89,102,633, G>A. VCF-style: chr16-89102633-G-A. GRCh37 (hg19) VCF-style: chr16-89169041-G-A.
Other names: c.696G>A, p.Trp232Ter (NM_001127214.4, NM_174917.5); c.-100G>A (NM_001284316.2); c.696G>A (NM_174917.4); short protein forms W232*.
Identifiers: ClinVar variation 3240989 (VCV003240989.2), dbSNP rs1975483671.
Genomic context (GRCh38, chr16:89,102,633, plus strand): 5'-TTGCTCTCAGCTGTGCTCTCGTCCCCTGCAGGTGACCGGGCTGGTCCACAAGTGGGCATG[G>A]ACCAAAGACGACGTGATCCTCCACGTGCTCCCGCTGCACCACGTCCATGGTGTGGTCAAC-3'